The following is an entry in ClinVar:

NM_024580.6(EFL1):c.289G>A (p.Val97Met)

Gene: EFL1 (elongation factor like GTPase 1; minus strand). Cytogenetic location: 15q25.2.
Variant type: single nucleotide variant.
Coding change: c.289G>A on transcript NM_024580.6 (MANE Select); coding-DNA position 289, G replaced by A.
Protein change: p.Val97Met; replaces valine 97 with methionine.
Molecular consequence: missense variant. On other transcripts: 5 prime UTR variant (1), non-coding transcript variant (1).
Genome position (GRCh38, 1-based): chr15:82,241,359, C>T on the plus strand (G>A on the coding strand, the complement: EFL1 is on the minus strand). VCF-style: chr15-82241359-C-T. GRCh37 (hg19) VCF-style: chr15-82533700-C-T.
Other names: c.136G>A, p.Val46Met (NM_001040610.3); c.-501G>A (NM_001322844.2); c.289G>A, p.Val97Met (NM_001322845.2); short protein forms V46M, V97M.
Identifiers: ClinVar variation 2179848 (VCV002179848.1), dbSNP rs368173835, ClinGen allele CA7698317.

ClinVar aggregate classification (germline): Uncertain significance (1 of 4 stars; one submission).

Allele frequency attached by ClinVar (database versions not stated): gnomAD 0.00001; gnomAD exomes 0.00001; TOPMed 0.00001; ExAC 0.00002.
gnomAD v4.1: 20 of 1,613,892 alleles (0.0012%); highest among the groups gnomAD compares: Admixed American, 0.005%; no homozygotes.

Submission:

Labcorp Genetics (formerly Invitae), Labcorp
Classification: Uncertain significance. Last evaluated: 2022-07-30. Review status: criteria provided, single submitter. Criteria: Invitae Variant Classification Sherloc (09022015). Collection method: clinical testing. Allele origin: germline.
Comment: This sequence change replaces valine, which is neutral and non-polar, with methionine, which is neutral and non-polar, at codon 97 of the EFL1 protein (p.Val97Met). This variant is present in population databases (rs368173835, gnomAD 0.003%). This variant has not been reported in the literature in individuals affected with EFL1-related conditions. Algorithms developed to predict the effect of missense changes on protein structure and function are either unavailable or do not agree on the potential impact of this missense change (SIFT: "Deleterious"; PolyPhen-2: "Probably Damaging"; Align-GVGD: "Class C0"). In summary, the available evidence is currently insufficient to determine the role of this variant in disease. Therefore, it has been classified as a Variant of Uncertain Significance.